The following is an entry in ClinVar:

NM_032608.7(MYO18B):c.473C>T (p.Ala158Val)

Gene: MYO18B (myosin XVIIIB; plus strand). Cytogenetic location: 22q12.1.
Variant type: single nucleotide variant.
Coding change: c.473C>T on transcript NM_032608.7 (MANE Select); coding-DNA position 473, C replaced by T.
Protein change: p.Ala158Val; replaces alanine 158 with valine.
Molecular consequence: missense variant.
Genome position (GRCh38, 1-based): chr22:25,768,389, C>T. VCF-style: chr22-25768389-C-T. GRCh37 (hg19) VCF-style: chr22-26164356-C-T.
Other names: c.473C>T, p.Ala158Val (NM_001318245.2); short protein forms A158V.
Identifiers: ClinVar variation 2635739 (VCV002635739.1), dbSNP rs912854210, ClinGen allele CA322778820.
Genomic context (GRCh38, chr22:25,768,389, plus strand): 5'-CCAAAAAGACTGTCCCCTTCAAGAGGGGCGTGAGGAGGGGTGATGTGTTGTTGATGGTGG[C>T]CAAGCTGGACCCGGACTCAGCCAAGCCAGAGAAGACTCATCCCCATGACGCCCCCCCTTG-3'
Protein context (NP_115997.5, residues 148-168): VRRGDVLLMV[Ala158Val]KLDPDSAKPE

ClinVar aggregate classification (germline): Uncertain significance (1 of 4 stars; one submission).

Conditions:
MYO18B-related disorder. Also called: MYO18B-related condition.

Allele frequency attached by ClinVar (database versions not stated): gnomAD 0.00001; gnomAD exomes 0.00002; TOPMed 0.00002.

Submission:

PreventionGenetics, part of Exact Sciences
Classification: Uncertain significance for MYO18B-related condition. Last evaluated: 2023-08-10. Review status: criteria provided, single submitter. Criteria: ACMG Guidelines, 2015. Collection method: clinical testing. Allele origin: germline.
Comment: The MYO18B c.473C>T variant is predicted to result in the amino acid substitution p.Ala158Val. To our knowledge, this variant has not been reported in the literature. This variant is reported in 0.00089% of alleles in individuals of European (Non-Finnish) descent in gnomAD. At this time, the clinical significance of this variant is uncertain due to the absence of conclusive functional and genetic evidence.